The following is an entry in ClinVar:

ClinVar aggregate classification (germline): Benign. Review status: criteria provided, multiple submitters, no conflicts (2 of 4 stars). 2 submissions from 2 submitters: Benign (2). Last evaluated 2018-01-13.

Conditions:
Autosomal dominant optic atrophy classic form (OPA1). Also called: KJER-TYPE OPTIC ATROPHY; OPTIC ATROPHY, JUVENILE; Optic Atrophy Type 1. Identifiers: Orphanet 98673, MedGen C0338508, MONDO:0008134, OMIM 165500.

Allele frequency attached by ClinVar (database versions not stated): 1000 Genomes Project 30x 0.43879; 1000 Genomes Project 0.43890; TOPMed 0.45990; gnomAD 0.46398 and 0.46950.

Submissions (2):

Illumina Laboratory Services, Illumina
Classification: Benign for Autosomal dominant optic atrophy classic form. Last evaluated: 2018-01-13. Review status: criteria provided, single submitter. Criteria: ICSL Variant Classification Criteria 13 December 2019. Collection method: clinical testing. Allele origin: germline.
Comment: This variant was observed in the ICSL laboratory as part of a predisposition screen in an ostensibly healthy population. It had not been previously curated by ICSL or reported in the Human Gene Mutation Database (HGMD: prior to June 1st, 2018), and was therefore a candidate for classification through an automated scoring system. Utilizing variant allele frequency, disease prevalence and penetrance estimates, and inheritance mode, an automated score was calculated to assess if this variant is too frequent to cause the disease. Based on the score and internal cut-off values, a variant classified as benign is not then subjected to further curation. The score for this variant resulted in a classification of benign for this disease.

Breakthrough Genomics
Classification: Benign. Review status: criteria provided, single submitter. Criteria: ACMG Guidelines, 2015. Collection method: not provided. Allele origin: germline. Inheritance: Autosomal recessive inheritance. Affected: yes.

NM_130837.3(OPA1):c.*2092C>T

Gene: OPA1 (OPA1 mitochondrial dynamin like GTPase; plus strand). Cytogenetic location: 3q29.
Variant type: single nucleotide variant.
Coding change: c.*2092C>T on transcript NM_130837.3 (MANE Select); 2092 bases downstream of the stop codon, C replaced by T.
Molecular consequence: 3 prime UTR variant.
Genome position (GRCh38, 1-based): chr3:193,696,692, C>T. VCF-style: chr3-193696692-C-T. GRCh37 (hg19) VCF-style: chr3-193414481-C-T.
Other names: c.*2092C>T (NM_001354663.2, NM_001354664.2, NM_015560.3 and 6 more transcripts).
Identifiers: ClinVar variation 344506 (VCV000344506.6), dbSNP rs1056390, ClinGen allele CA10615981.